The following is an entry in ClinVar:

ClinVar aggregate classification (germline): Uncertain significance (1 of 4 stars; one submission).

gnomAD v4.1: 37 of 1,552,418 alleles (0.0024%); highest among the groups gnomAD compares: Non-Finnish European, 0.003%; no homozygotes.

Submission:

GeneDx
Classification: Uncertain significance. Last evaluated: 2025-04-30. Review status: criteria provided, single submitter. Criteria: GeneDx Variant Classification Process June 2021. Collection method: clinical testing. Allele origin: germline. Affected: yes.
Comment: Not observed at significant frequency in large population cohorts (gnomAD); In silico analysis supports that this missense variant has a deleterious effect on protein structure/function; Has not been previously published as pathogenic or benign to our knowledge

NM_016417.3(GLRX5):c.268G>A (p.Val90Met)

Gene: GLRX5 (glutaredoxin 5; plus strand). Cytogenetic location: 14q32.13.
Variant type: single nucleotide variant.
Coding change: c.268G>A on transcript NM_016417.3 (MANE Select); coding-DNA position 268, G replaced by A.
Protein change: p.Val90Met; replaces valine 90 with methionine.
Molecular consequence: missense variant.
Genome position (GRCh38, 1-based): chr14:95,535,357, G>A. VCF-style: chr14-95535357-G-A. GRCh37 (hg19) VCF-style: chr14-96001694-G-A.
Other names: short protein forms V90M.
Identifiers: ClinVar variation 4527505 (VCV004527505.1).
Genomic context (GRCh38, chr14:95,535,357, plus strand): 5'-AGCAACGCCGTGGTGCAGATCCTGCGGCTGCACGGCGTCCGCGATTACGCGGCCTACAAC[G>A]TGCTGGACGACCCGGAGCTCCGACAAGGTCAGGCCAGTGTGCCGGGCAGGCGCCCTCCGC-3'
Protein context (NP_057501.2, residues 80-100): HGVRDYAAYN[Val90Met]LDDPELRQGI